The following is an entry in ClinVar:

ClinVar aggregate classification (germline): Uncertain significance. Review status: criteria provided, multiple submitters, no conflicts (2 of 4 stars). 2 submissions from 2 submitters: Uncertain significance (2). Last evaluated 2024-04-05.

Conditions:
COACH syndrome 2. Identifiers: MedGen C5436837, MONDO:0030859, OMIM 619111.
Meckel syndrome, type 6. Identifiers: Orphanet 564, MedGen C2676790, MONDO:0012848, OMIM 612284.
Retinitis pigmentosa 93. Identifiers: MedGen C5676970, MONDO:0030797, OMIM 619845.
Joubert syndrome 9 (JBTS9). Identifiers: Orphanet 2318, MedGen C2676788, MONDO:0012849, OMIM 612285.
Joubert syndrome. Also called: JOUBERT-BOLTSHAUSER SYNDROME; Familial aplasia of the vermis. Identifiers: Orphanet 475, MedGen C5979921, MONDO:0018772.
Meckel-Gruber syndrome. Also called: DYSENCEPHALIA SPLANCHNOCYSTICA; GRUBER SYNDROME; Dysencephalia splachnocystica. Identifiers: Orphanet 564, MedGen C0265215, MONDO:0018921.

Allele frequency attached by ClinVar (database versions not stated): gnomAD 0.00004 and 0.00006; TOPMed 0.00004; 1000 Genomes Project 0.00020; 1000 Genomes Project 30x 0.00031.
gnomAD v4.1: 31 of 1,607,690 alleles (0.0019%); highest among the groups gnomAD compares: Admixed American, 0.019%; no homozygotes.

Submissions (2):

Fulgent Genetics
Classification: Uncertain significance for Meckel syndrome, type 6; Joubert syndrome 9; COACH syndrome 2; Retinitis pigmentosa 93. Last evaluated: 2024-04-05. Review status: criteria provided, single submitter. Criteria: ACMG Guidelines, 2015. Collection method: clinical testing. Allele origin: germline.

Labcorp Genetics (formerly Invitae), Labcorp
Classification: Uncertain significance for Joubert syndrome; Meckel-Gruber syndrome. Last evaluated: 2021-10-15. Review status: criteria provided, single submitter. Criteria: Invitae Variant Classification Sherloc (09022015). Collection method: clinical testing. Allele origin: germline.
Comment: This sequence change replaces arginine with histidine at codon 103 of the CC2D2A protein (p.Arg103His). The arginine residue is moderately conserved and there is a small physicochemical difference between arginine and histidine. This variant is present in population databases (rs566281691, ExAC 0.006%). This variant has not been reported in the literature in individuals affected with CC2D2A-related conditions. Algorithms developed to predict the effect of missense changes on protein structure and function are either unavailable or do not agree on the potential impact of this missense change (SIFT: "Deleterious"; PolyPhen-2: "Probably Damaging"; Align-GVGD: "Class C0"). In summary, the available evidence is currently insufficient to determine the role of this variant in disease. Therefore, it has been classified as a Variant of Uncertain Significance.

NM_001378615.1(CC2D2A):c.308G>A (p.Arg103His)

Genes: CC2D2A (coiled-coil and C2 domain containing 2A; plus strand), FBXL5 (F-box and leucine rich repeat protein 5; minus strand). Cytogenetic location: 4p15.32.
Variant type: single nucleotide variant.
Coding change: c.308G>A on transcript NM_001378615.1 (MANE Select); coding-DNA position 308, G replaced by A.
Protein change: p.Arg103His; replaces arginine 103 with histidine.
Molecular consequence: missense variant.
Genome position (GRCh38, 1-based): chr4:15,502,489, G>A. VCF-style: chr4-15502489-G-A. GRCh37 (hg19) VCF-style: chr4-15504112-G-A.
Other names: c.308G>A, p.Arg103His (NM_001080522.2); c.161G>A, p.Arg54His (NM_001378617.1); short protein forms R103H, R54H.
Identifiers: ClinVar variation 1438122 (VCV001438122.6), dbSNP rs566281691, ClinGen allele CA2863367.